The following is an entry in ClinVar:

ClinVar aggregate classification (germline): Uncertain significance. Review status: criteria provided, multiple submitters, no conflicts (2 of 4 stars). 3 submissions from 3 submitters: Uncertain significance (3). Last evaluated 2025-02-23.

Conditions:
Inborn genetic diseases. Identifiers: MedGen C0950123, MeSH D030342.
Developmental and epileptic encephalopathy, 1 (DEE1). Also called: X-linked infantile spasms; West's syndrome; Tonic spasms with clustering, arrest of psychomotor development and hypsarrhythmia on EEG; X-Linked Infantile Spasm Syndrome; OHTAHARA SYNDROME, X-LINKED; Epileptic encephalopathy, early infantile, 1. Identifiers: MedGen C3463992, MONDO:0010632, OMIM 308350. Disease mechanism: loss of function.
Autosomal dominant nonsyndromic hearing loss 65. Also called: Deafness, autosomal dominant 65; TBC1D24-Related Autosomal Dominant Nonsyndromic Hearing Loss (DFNA). Identifiers: Orphanet 90635, MedGen C3892048, MONDO:0014470, OMIM 616044.

Allele frequency attached by ClinVar (database versions not stated): gnomAD exomes 0.00001; gnomAD 0.00001; TOPMed 0.00002.
gnomAD v4.1: 17 of 1,613,876 alleles (0.0011%); highest among the groups gnomAD compares: Admixed American, 0.005%; no homozygotes.

Submissions (3):

Labcorp Genetics (formerly Invitae), Labcorp
Classification: Uncertain significance for Developmental and epileptic encephalopathy, 1; Autosomal dominant nonsyndromic hearing loss 65. Last evaluated: 2025-02-23. Review status: criteria provided, single submitter. Criteria: Invitae Variant Classification Sherloc (09022015). Collection method: clinical testing. Allele origin: germline.
Comment: This sequence change replaces alanine, which is neutral and non-polar, with valine, which is neutral and non-polar, at codon 277 of the TBC1D24 protein (p.Ala277Val). This variant is present in population databases (no rsID available, gnomAD 0.01%). This variant has not been reported in the literature in individuals affected with TBC1D24-related conditions. ClinVar contains an entry for this variant (Variation ID: 1007150). Invitae Evidence Modeling of protein sequence and biophysical properties (such as structural, functional, and spatial information, amino acid conservation, physicochemical variation, residue mobility, and thermodynamic stability) indicates that this missense variant is not expected to disrupt TBC1D24 protein function with a negative predictive value of 80%. In summary, the available evidence is currently insufficient to determine the role of this variant in disease. Therefore, it has been classified as a Variant of Uncertain Significance.

GeneDx
Classification: Uncertain significance. Last evaluated: 2024-10-07. Review status: criteria provided, single submitter. Criteria: GeneDx Variant Classification Process June 2021. Collection method: clinical testing. Allele origin: germline. Affected: yes.
Comment: Not observed at significant frequency in large population cohorts (gnomAD); In silico analysis indicates that this missense variant does not alter protein structure/function; Has not been previously published as pathogenic or benign to our knowledge

Ambry Genetics
Classification: Uncertain significance for Inborn genetic diseases. Last evaluated: 2023-12-17. Review status: criteria provided, single submitter. Criteria: Ambry Variant Classification Scheme 2023. Collection method: clinical testing. Allele origin: germline.

NM_001199107.2(TBC1D24):c.830C>T (p.Ala277Val)

Gene: TBC1D24 (TBC1 domain family member 24; plus strand). Cytogenetic location: 16p13.3.
Variant type: single nucleotide variant.
Coding change: c.830C>T on transcript NM_001199107.2 (MANE Select); coding-DNA position 830, C replaced by T.
Protein change: p.Ala277Val; replaces alanine 277 with valine.
Molecular consequence: missense variant.
Genome position (GRCh38, 1-based): chr16:2,496,978, C>T. VCF-style: chr16-2496978-C-T. GRCh37 (hg19) VCF-style: chr16-2546979-C-T.
Other names: c.830C>T, p.Ala277Val (NM_020705.3); c.830C>T (NM_001199107.1); short protein forms A277V.
Identifiers: ClinVar variation 1007150 (VCV001007150.9), dbSNP rs909267678, ClinGen allele CA276809636.